The following is an entry in ClinVar:

ClinVar aggregate classification (germline): Benign (1 of 4 stars; one submission).

Conditions:
MEGF10-related myopathy (CMYO10A). Also called: Congenital myopathy 10A, severe variant. Identifiers: Orphanet 439212, MedGen C3280679, MONDO:0013731, OMIM 614399.

Allele frequency attached by ClinVar (database versions not stated): 1000 Genomes Project 30x 0.63819; 1000 Genomes Project 0.63978; TOPMed 0.71707; gnomAD 0.73202 and 0.73822.

Submission:

Illumina Laboratory Services, Illumina
Classification: Benign for MEGF10-related myopathy. Last evaluated: 2018-01-12. Review status: criteria provided, single submitter. Criteria: ICSL Variant Classification Criteria 13 December 2019. Collection method: clinical testing. Allele origin: germline.
Comment: This variant was observed in the ICSL laboratory as part of a predisposition screen in an ostensibly healthy population. It had not been previously curated by ICSL or reported in the Human Gene Mutation Database (HGMD: prior to June 1st, 2018), and was therefore a candidate for classification through an automated scoring system. Utilizing variant allele frequency, disease prevalence and penetrance estimates, and inheritance mode, an automated score was calculated to assess if this variant is too frequent to cause the disease. Based on the score and internal cut-off values, a variant classified as benign is not then subjected to further curation. The score for this variant resulted in a classification of benign for this disease.

NM_001256545.2(MEGF10):c.*2236C>A

Gene: MEGF10 (multiple EGF like domains 10; plus strand). Cytogenetic location: 5q23.2.
Variant type: single nucleotide variant.
Coding change: c.*2236C>A on transcript NM_001256545.2 (MANE Select); 2236 bases downstream of the stop codon, C replaced by A.
Molecular consequence: 3 prime UTR variant.
Genome position (GRCh38, 1-based): chr5:127,459,554, C>A. VCF-style: chr5-127459554-C-A. GRCh37 (hg19) VCF-style: chr5-126795246-C-A.
Other names: c.*2236C>A (NM_032446.3).
Identifiers: ClinVar variation 350703 (VCV000350703.5), dbSNP rs3756722, ClinGen allele CA10622434.
Genomic context (GRCh38, chr5:127,459,554, plus strand): 5'-TTAAAGATCATCTCTTCAGAGCTGCATGGTAAATTTGAATTTCCCCATTGTTCTCTAGAG[C>A]TAGGTCAAAAAAACAACTGTTTCTTTTCTTATTCCACTATTAATAAATTGAAAGCTTGCT-3'